The following is an entry in ClinVar:

NM_001267550.2(TTN):c.18800G>T (p.Gly6267Val)

Genes: TTN (titin; minus strand), LOC126806430 (BRD4-independent group 4 enhancer GRCh37_chr2:179593794-179594993; plus strand). Cytogenetic location: 2q31.2.
Variant type: single nucleotide variant.
Coding change: c.18800G>T on transcript NM_001267550.2 (MANE Select); coding-DNA position 18800, G replaced by T.
Protein change: p.Gly6267Val; replaces glycine 6267 with valine.
Molecular consequence: missense variant. On other transcripts: intron variant (3).
Genome position (GRCh38, 1-based): chr2:178,729,356, C>A on the plus strand (G>T on the coding strand, the complement: TTN is on the minus strand). VCF-style: chr2-178729356-C-A. GRCh37 (hg19) VCF-style: chr2-179594083-C-A.
Other names: c.17849G>T, p.Gly5950Val (NM_001256850.1); c.15068G>T, p.Gly5023Val (NM_133378.4); c.13282+8726G>T (NM_003319.4); c.13858+8726G>T (NM_133437.4); c.13657+8726G>T (NM_133432.3); short protein forms G5023V, G5950V, G6267V.
Identifiers: ClinVar variation 4682385 (VCV004682385.1).

ClinVar aggregate classification (germline): Uncertain significance (1 of 4 stars; one submission).

Submission:

Athena Diagnostics
Classification: Uncertain significance. Last evaluated: 2024-12-24. Review status: criteria provided, single submitter. Criteria: Athena Diagnostics Criteria. Collection method: clinical testing. Allele origin: unknown.
Comment: Available data are insufficient to determine the clinical significance of the variant at this time. This variant has not been reported in large, multi-ethnic general populations. Polyphen and MutationTaster yielded discordant predictions regarding whether this amino acid change is damaging to the protein.